The following is an entry in ClinVar:

ClinVar aggregate classification (germline): Uncertain significance (1 of 4 stars; one submission).

Submission:

Ambry Genetics
Classification: Uncertain significance. Last evaluated: 2024-12-21. Review status: criteria provided, single submitter. Criteria: Ambry Variant Classification Scheme 2023. Collection method: clinical testing. Allele origin: germline.
Comment: The p.P1524L variant (also known as c.4571C>T), located in coding exon 19 of the WNK2 gene, results from a C to T substitution at nucleotide position 4571. The proline at codon 1524 is replaced by leucine, an amino acid with similar properties. This amino acid position is conserved. In addition, this alteration is predicted to be tolerated by in silico analysis. Based on the available evidence, the clinical significance of this variant remains unclear.

NM_006648.4(WNK2):c.4571C>T (p.Pro1524Leu)

Gene: WNK2 (WNK lysine deficient protein kinase 2; plus strand). Cytogenetic location: 9q22.31.
Variant type: single nucleotide variant.
Coding change: c.4571C>T on transcript NM_006648.4 (MANE Select); coding-DNA position 4571, C replaced by T.
Protein change: p.Pro1524Leu; replaces proline 1524 with leucine.
Molecular consequence: missense variant.
Genome position (GRCh38, 1-based): chr9:93,289,325, C>T. VCF-style: chr9-93289325-C-T. GRCh37 (hg19) VCF-style: chr9-96051607-C-T.
Other names: c.4682C>T, p.Pro1561Leu (NM_001282394.3); short protein forms P1524L, P1561L.
Identifiers: ClinVar variation 3816583 (VCV003816583.1).